The following is an entry in ClinVar:

NM_014159.7(SETD2):c.6773C>T (p.Pro2258Leu)

Gene: SETD2 (SET domain containing 2, histone lysine methyltransferase; minus strand). Cytogenetic location: 3p21.31.
Variant type: single nucleotide variant.
Coding change: c.6773C>T on transcript NM_014159.7 (MANE Select); coding-DNA position 6773, C replaced by T.
Protein change: p.Pro2258Leu; replaces proline 2258 with leucine.
Molecular consequence: missense variant. On other transcripts: non-coding transcript variant (1).
Genome position (GRCh38, 1-based): chr3:47,057,011, G>A on the plus strand (C>T on the coding strand, the complement: SETD2 is on the minus strand). VCF-style: chr3-47057011-G-A. GRCh37 (hg19) VCF-style: chr3-47098501-G-A.
Other names: c.6641C>T, p.Pro2214Leu (NM_001349370.3); short protein forms P2214L, P2258L.
Identifiers: ClinVar variation 2632560 (VCV002632560.1), dbSNP rs2107575467, ClinGen allele CA352519809.

ClinVar aggregate classification (germline): Uncertain significance (1 of 4 stars; one submission).

Conditions:
SETD2-related disorder.

Submission:

PreventionGenetics, part of Exact Sciences
Classification: Uncertain significance for SETD2-related condition. Last evaluated: 2023-06-09. Review status: criteria provided, single submitter. Criteria: ACMG Guidelines, 2015. Collection method: clinical testing. Allele origin: germline.
Comment: The SETD2 c.6773C>T variant is predicted to result in the amino acid substitution p.Pro2258Leu. To our knowledge, this variant has not been reported in the literature or in a large population database, indicating this variant is rare. At this time, the clinical significance of this variant is uncertain due to the absence of conclusive functional and genetic evidence.